The following is an entry in ClinVar:

NM_145261.4(DNAJC19):c.63C>G (p.Tyr21Ter)

Gene: DNAJC19 (DnaJ heat shock protein family (Hsp40) member C19; minus strand). Cytogenetic location: 3q26.33.
Variant type: single nucleotide variant.
Coding change: c.63C>G on transcript NM_145261.4 (MANE Select); coding-DNA position 63, C replaced by G.
Protein change: p.Tyr21Ter; replaces tyrosine 21 with a stop codon.
Molecular consequence: nonsense. On other transcripts: 5 prime UTR variant (1), non-coding transcript variant (3).
Genome position (GRCh38, 1-based): chr3:180,988,089, G>C on the plus strand (C>G on the coding strand, the complement: DNAJC19 is on the minus strand). VCF-style: chr3-180988089-G-C. GRCh37 (hg19) VCF-style: chr3-180705877-G-C.
Other names: c.-13C>G (NM_001190233.2); short protein forms Y21*.
Identifiers: ClinVar variation 937620 (VCV000937620.13), dbSNP rs145786060, ClinGen allele CA2717142.

ClinVar aggregate classification (germline): Pathogenic. Review status: criteria provided, multiple submitters, no conflicts (2 of 4 stars). 3 submissions from 3 submitters: Pathogenic (3). Last evaluated 2026-05-29.

Conditions:
3-Methylglutaconic aciduria type 3 (MGCA3). Also called: Costeff Syndrome; OPA3, AUTOSOMAL RECESSIVE; OPTIC ATROPHY 3, AUTOSOMAL RECESSIVE; OPA3-Related 3-Methylglutaconic Aciduria. Identifiers: Orphanet 67047, MedGen C0574084, MONDO:0009787, OMIM 258501.
DNAJC19-related disorder. Also called: DNAJC19-related condition.
3-methylglutaconic aciduria type 5. Also called: CARDIOMYOPATHY, DILATED, WITH ATAXIA; MGA, TYPE V; 3 alpha methylglutaconic aciduria type V; MGA 5. Identifiers: Orphanet 66634, MedGen C1857776, MONDO:0012435, OMIM 610198.

Allele frequency attached by ClinVar (database versions not stated): TOPMed 0.00004; ESP Exome Variant Server 0.00008.
gnomAD v4.1: 67 of 1,613,972 alleles (0.0042%); highest among the groups gnomAD compares: African/African-American, 0.0053%; no homozygotes.

Submissions (3):

Women's Health and Genetics/Laboratory Corporation of America, LabCorp
Classification: Pathogenic for 3-methylglutaconic aciduria type 5. Last evaluated: 2026-05-29. Review status: criteria provided, single submitter. Criteria: LabCorp Variant Classification Summary - May 2015. Collection method: clinical testing. Allele origin: germline.
Comment: Variant summary: DNAJC19 c.63C>G (p.Tyr21X) results in a premature termination codon, predicted to cause a truncation of the encoded protein or absence of the protein due to nonsense mediated decay, which are commonly known mechanisms for disease. The variant allele was found at a frequency of 4e-05 in 251438 control chromosomes. This frequency is not significantly higher than estimated for disease-causing variants in DNAJC19, allowing no conclusion about variant significance. To our knowledge, no occurrence of c.63C>G in individuals affected with DNAJC19-related conditions and no experimental evidence demonstrating its impact on protein function have been reported. ClinVar contains an entry for this variant (Variation ID: 937620). Based on the evidence outlined above, the variant was classified as pathogenic.

Labcorp Genetics (formerly Invitae), Labcorp
Classification: Pathogenic for 3-methylglutaconic aciduria type 5. Last evaluated: 2026-01-27. Review status: criteria provided, single submitter. Criteria: Invitae Variant Classification Sherloc (09022015). Collection method: clinical testing. Allele origin: germline.
Comment: This sequence change creates a premature translational stop signal (p.Tyr21*) in the DNAJC19 gene. It is expected to result in an absent or disrupted protein product. Loss-of-function variants in DNAJC19 are known to be pathogenic (PMID: 16055927, 27928778). This variant is present in population databases (rs145786060, gnomAD 0.007%). This premature translational stop signal has been observed in individual(s) with dilated cardiomyopathy, movement disorder, developmental delay, sensorineural deafness and basal ganglia lesions (PMID: 27928778). ClinVar contains an entry for this variant (Variation ID: 937620). Algorithms developed to predict the effect of sequence changes on RNA splicing suggest that this variant may disrupt the consensus splice site. For these reasons, this variant has been classified as Pathogenic.

Blueprint Genetics
Classification: Pathogenic for DNAJC19-related disorders. Last evaluated: 2023-05-17. Review status: criteria provided, single submitter. Criteria: ACMG Guidelines, 2015. Collection method: clinical testing. Allele origin: germline. Affected: yes. Observed: 5 variant alleles.

Literature cited by the submitters: PubMed 16055927 (cited by Labcorp Genetics (formerly Invitae), Labcorp); PubMed 27928778 (cited by Labcorp Genetics (formerly Invitae), Labcorp).